The following is an entry in ClinVar:

NM_000548.5(TSC2):c.1458del (p.Ser487fs)

Gene: TSC2 (TSC complex subunit 2; plus strand). Cytogenetic location: 16p13.3.
Variant type: Deletion.
Coding change: c.1458del on transcript NM_000548.5 (MANE Select); coding-DNA position 1458, one base deleted (C; older notation c.1458delC).
Protein change: p.Ser487fs; shifts the reading frame from serine 487.
Molecular consequence: frameshift variant.
Genome position (GRCh38, 1-based): chr16:2,064,286, C deleted. VCF-style (leftmost placement, unchanged base first): chr16-2064285-AC-A. GRCh37 (hg19) VCF-style: chr16-2114286-AC-A.
Other names: c.1458del, p.Ser487fs (NM_001077183.3, NM_001114382.3, NM_001363528.2 and 3 more transcripts); c.1347del, p.Ser450fs (NM_001318827.2); c.1311del, p.Ser438fs (NM_001318829.2); c.858del, p.Ser287fs (NM_001318831.2); c.1491del, p.Ser498fs (NM_001318832.2); short protein forms S487fs, S498fs, S287fs, S438fs, S450fs.
Identifiers: ClinVar variation 626195 (VCV000626195.1), dbSNP rs1567437155, ClinGen allele CA913190428.

ClinVar aggregate classification (germline): Pathogenic (1 of 4 stars; one submission).

Conditions:
Isolated focal cortical dysplasia type II (FCORD2). Also called: Focal cortical dysplasia type II; CORTICAL DYSPLASIA OF TAYLOR. Identifiers: Orphanet 268994, MedGen C1846385, MONDO:0011818, OMIM 607341, HP:0032051.
Lymphangiomyomatosis (LAM). Also called: Lymphangioleiomyomatosis; Lymphangioleiomyomatosis, somatic. Identifiers: Orphanet 538, MedGen C0751674, MONDO:0011705, OMIM 606690.
Tuberous sclerosis 2 (TSC2). Identifiers: Orphanet 805, MedGen C1860707, MONDO:0013199, OMIM 613254.

Submission:

Center for Genomics, Ann and Robert H. Lurie Children's Hospital of Chicago
Classification: Pathogenic for Isolated focal cortical dysplasia type II; Lymphangiomyomatosis; Tuberous sclerosis 2. Last evaluated: 2018-10-29. Review status: criteria provided, single submitter. Criteria: ACMG Guidelines, 2015. Collection method: clinical testing. Allele origin: germline.
Comment: TSC2 NM_000548.4 exon 15 p.Ser487Glnfs*48 (c.1458delC): This variant has not been reported in the literature and is not present in large control databases. Evolutionary conservation and computational predictive tools for this variant are limited or unavailable. This variant creates a premature stop codon 48 amino acids downstream from this location, which results in an absent or abnormal protein. Loss of function variants are a known mechanism of disease for this gene (Rosset 2017 PMID: 28222202). In summary, this variant is classified as pathogenic based on the data above (impact to protein, absence from controls, etc).